The following is an entry in ClinVar:

NM_001267550.2(TTN):c.80704C>T (p.Pro26902Ser)

Genes: TTN (titin; minus strand), TTN-AS1 (TTN antisense RNA 1; plus strand). Cytogenetic location: 2q31.2.
Variant type: single nucleotide variant.
Coding change: c.80704C>T on transcript NM_001267550.2 (MANE Select); coding-DNA position 80704, C replaced by T.
Protein change: p.Pro26902Ser; replaces proline 26902 with serine.
Molecular consequence: missense variant.
Genome position (GRCh38, 1-based): chr2:178,565,428, G>A on the plus strand (C>T on the coding strand, the complement: TTN is on the minus strand). VCF-style: chr2-178565428-G-A. GRCh37 (hg19) VCF-style: chr2-179430155-G-A.
Other names: c.75781C>T, p.Pro25261Ser (NM_001256850.1); c.53509C>T, p.Pro17837Ser (NM_003319.4); c.73000C>T, p.Pro24334Ser (NM_133378.4); c.53884C>T, p.Pro17962Ser (NM_133432.3); c.54085C>T, p.Pro18029Ser (NM_133437.4); short protein forms P26902S, P25261S, P24334S, P17962S, P18029S, P17837S.
Identifiers: ClinVar variation 405053 (VCV000405053.5), dbSNP rs1024262797, ClinGen allele CA16610374.
Genomic context (GRCh38, chr2:178,565,428, plus strand): 5'-GTTTAAGAGGCTCACCATCTTTGACCCAAGAAATGTTAGGTCTTGGTCGGCCTATAACTG[G>A]AATTTCTATTTTAAGATCTTCTCCAGCTTGGATACTATATGTGTTAAATGGTAACTTTAA-3'
Protein context (NP_001254479.2, residues 26892-26912): QAGEDLKIEI[Pro26902Ser]VIGRPRPNIS

ClinVar aggregate classification (germline): Uncertain significance. Review status: criteria provided, multiple submitters, no conflicts (2 of 4 stars). 2 submissions from 2 submitters: Uncertain significance (2). Last evaluated 2021-04-06.

Conditions:
Dilated cardiomyopathy 1G (CMD1G). Identifiers: Orphanet 154, MedGen C1858763, MONDO:0011400, OMIM 604145.
Autosomal recessive limb-girdle muscular dystrophy type 2J (LGMDR10). Also called: Limb-girdle muscular dystrophy, type 2J; MUSCULAR DYSTROPHY, LIMB-GIRDLE, AUTOSOMAL RECESSIVE 10. Identifiers: Orphanet 140922, MedGen C1837342, MONDO:0012127, OMIM 608807.

Allele frequency attached by ClinVar (database versions not stated): gnomAD exomes below 0.00001 and 0.00001; gnomAD 0.00001; TOPMed 0.00001.
gnomAD v4.1: 19 of 1,613,204 alleles (0.0012%); highest among the groups gnomAD compares: African/African-American, 0.0013%; no homozygotes.

Submissions (2):

GeneDx
Classification: Uncertain significance. Last evaluated: 2021-04-06. Review status: criteria provided, single submitter. Criteria: GeneDx Variant Classification Process June 2021. Collection method: clinical testing. Allele origin: germline. Affected: yes.
Comment: Not observed in large population cohorts (Lek et al., 2016); Missense variant in a gene in which most reported pathogenic variants are truncating/loss-of-function; Has not been previously published as pathogenic or benign to our knowledge

Labcorp Genetics (formerly Invitae), Labcorp
Classification: Uncertain significance for Dilated cardiomyopathy 1G; Autosomal recessive limb-girdle muscular dystrophy type 2J. Last evaluated: 2016-09-22. Review status: criteria provided, single submitter. Criteria: Invitae Variant Classification Sherloc (09022015). Collection method: clinical testing. Allele origin: germline.